The following is an entry in ClinVar:

ClinVar aggregate classification (germline): Uncertain significance. Review status: criteria provided, multiple submitters, no conflicts (2 of 4 stars). 2 submissions from 2 submitters: Uncertain significance (2). Last evaluated 2024-12-10.

Conditions:
Inborn genetic diseases. Identifiers: MedGen C0950123, MeSH D030342.
Autosomal recessive distal spinal muscular atrophy 1. Also called: NEURONOPATHY, DISTAL HEREDITARY MOTOR, HARDING TYPE VI; NEUROPATHY, DISTAL HEREDITARY MOTOR, AUTOSOMAL RECESSIVE 1; NEURONOPATHY, SEVERE INFANTILE AXONAL, WITH RESPIRATORY FAILURE; HMN VI; SEVERE INFANTILE AXONAL NEUROPATHY WITH RESPIRATORY FAILURE; SPINAL MUSCULAR ATROPHY, DIAPHRAGMATIC. Identifiers: Orphanet 98920, MedGen C1858517, MONDO:0011436, OMIM 604320.
Charcot-Marie-Tooth disease axonal type 2S. Also called: CHARCOT-MARIE-TOOTH NEUROPATHY, TYPE 2S; CHARCOT-MARIE-TOOTH DISEASE, AXONAL, AUTOSOMAL RECESSIVE, TYPE 2S. Identifiers: Orphanet 443073, MedGen C4015349, MONDO:0014511, OMIM 616155.

Allele frequency attached by ClinVar (database versions not stated): gnomAD 0.00001; gnomAD exomes 0.00001 and 0.00002; ExAC 0.00002; TOPMed 0.00002.

Submissions (2):

Ambry Genetics
Classification: Uncertain significance for Inborn genetic diseases. Last evaluated: 2024-12-10. Review status: criteria provided, single submitter. Criteria: Ambry Variant Classification Scheme 2023. Collection method: clinical testing. Allele origin: germline.

Labcorp Genetics (formerly Invitae), Labcorp
Classification: Uncertain significance for Autosomal recessive distal spinal muscular atrophy 1; Charcot-Marie-Tooth disease axonal type 2S. Last evaluated: 2021-08-24. Review status: criteria provided, single submitter. Criteria: Invitae Variant Classification Sherloc (09022015). Collection method: clinical testing. Allele origin: germline.
Comment: This sequence change replaces isoleucine with threonine at codon 167 of the IGHMBP2 protein (p.Ile167Thr). The isoleucine residue is moderately conserved and there is a moderate physicochemical difference between isoleucine and threonine. This variant is present in population databases (rs754051200, ExAC 0.01%). This variant has not been reported in the literature in individuals affected with IGHMBP2-related conditions. Algorithms developed to predict the effect of missense changes on protein structure and function output the following: SIFT: "Deleterious"; PolyPhen-2: "Benign"; Align-GVGD: "Class C0". The threonine amino acid residue is found in multiple mammalian species, which suggests that this missense change does not adversely affect protein function. In summary, the available evidence is currently insufficient to determine the role of this variant in disease. Therefore, it has been classified as a Variant of Uncertain Significance.

NM_002180.3(IGHMBP2):c.500T>C (p.Ile167Thr)

Gene: IGHMBP2 (immunoglobulin mu DNA binding protein 2; plus strand). Cytogenetic location: 11q13.3.
Variant type: single nucleotide variant.
Coding change: c.500T>C on transcript NM_002180.3 (MANE Select); coding-DNA position 500, T replaced by C.
Protein change: p.Ile167Thr; replaces isoleucine 167 with threonine.
Molecular consequence: missense variant.
Genome position (GRCh38, 1-based): chr11:68,908,584, T>C. VCF-style: chr11-68908584-T-C. GRCh37 (hg19) VCF-style: chr11-68676052-T-C.
Other names: c.500T>C (NM_002180.2); short protein forms I167T.
Identifiers: ClinVar variation 1059534 (VCV001059534.7), dbSNP rs754051200, ClinGen allele CA6153310.